The following is an entry in ClinVar:

NM_001243133.2(NLRP3):c.194C>G (p.Ala65Gly)

Gene: NLRP3 (NLR family pyrin domain containing 3; plus strand). Cytogenetic location: 1q44.
Variant type: single nucleotide variant.
Coding change: c.194C>G on transcript NM_001243133.2 (MANE Select); coding-DNA position 194, C replaced by G.
Protein change: p.Ala65Gly; replaces alanine 65 with glycine.
Molecular consequence: missense variant.
Genome position (GRCh38, 1-based): chr1:247,418,994, C>G. VCF-style: chr1-247418994-C-G. GRCh37 (hg19) VCF-style: chr1-247582296-C-G.
Other names: c.194C>G, p.Ala65Gly (NM_001079821.3, NM_001127461.3, NM_001127462.3 and 1 more transcripts); c.200C>G, p.Ala67Gly (NM_004895.5); short protein forms A67G, A65G.
Identifiers: ClinVar variation 296939 (VCV000296939.11), dbSNP rs763252989, ClinGen allele CA1494759.

ClinVar aggregate classification (germline): Conflicting classifications of pathogenicity. Review status: criteria provided, conflicting classifications (1 of 4 stars). 5 submissions from 3 submitters: Uncertain significance (2); Benign (3). Last evaluated 2024-03-01.

Conditions:
Familial amyloid nephropathy with urticaria AND deafness (MWS). Also called: UDA SYNDROME; URTICARIA-DEAFNESS-AMYLOIDOSIS SYNDROME; MUCKLE-WELLS SYNDROME; Urticaria, deafness and amyloidosis; CRYOPYRIN-ASSOCIATED PERIODIC SYNDROME 2. Identifiers: Orphanet 575, MedGen C0268390, MONDO:0008633, OMIM 191900.
Familial cold autoinflammatory syndrome 1 (FCAS1). Also called: CRYOPYRIN-ASSOCIATED PERIODIC SYNDROME 1; Familial cold inflammatory syndrome 1. Identifiers: Orphanet 47045, MedGen C4551895, MONDO:0007349, OMIM 120100.
Cryopyrin associated periodic syndrome (CAPS). Identifiers: Orphanet 208650, MedGen C2316212, MONDO:0016168.
Chronic infantile neurological, cutaneous and articular syndrome (CINCA). Also called: CHRONIC NEUROLOGIC CUTANEOUS AND ARTICULAR SYNDROME; CINCA syndrome; Prieur Griscelli syndrome; CRYOPYRIN-ASSOCIATED PERIODIC SYNDROME 3. Identifiers: Orphanet 1451, MedGen C0409818, MONDO:0011776, OMIM 607115.

Allele frequency attached by ClinVar (database versions not stated): gnomAD 0.00001; ExAC 0.00002; gnomAD exomes 0.00002; TOPMed 0.00003.

Submissions (5):

Labcorp Genetics (formerly Invitae), Labcorp
Classification: Uncertain significance for Cryopyrin associated periodic syndrome. Last evaluated: 2024-03-01. Review status: criteria provided, single submitter. Criteria: Invitae Variant Classification Sherloc (09022015). Collection method: clinical testing. Allele origin: germline.
Comment: This sequence change replaces alanine, which is neutral and non-polar, with glycine, which is neutral and non-polar, at codon 67 of the NLRP3 protein (p.Ala67Gly). This variant is present in population databases (rs763252989, gnomAD 0.02%). This variant has not been reported in the literature in individuals affected with NLRP3-related conditions. ClinVar contains an entry for this variant (Variation ID: 296939). Advanced modeling of protein sequence and biophysical properties (such as structural, functional, and spatial information, amino acid conservation, physicochemical variation, residue mobility, and thermodynamic stability) has been performed at Invitae for this missense variant, however the output from this modeling did not meet the statistical confidence thresholds required to predict the impact of this variant on NLRP3 protein function. In summary, the available evidence is currently insufficient to determine the role of this variant in disease. Therefore, it has been classified as a Variant of Uncertain Significance.

Illumina Laboratory Services, Illumina
Classification: Benign for Familial cold autoinflammatory syndrome 1. Last evaluated: 2018-01-12. Review status: criteria provided, single submitter. Criteria: ICSL Variant Classification Criteria 13 December 2019. Collection method: clinical testing. Allele origin: germline.
Comment: This variant was observed in the ICSL laboratory as part of a predisposition screen in an ostensibly healthy population. It had not been previously curated by ICSL or reported in the Human Gene Mutation Database (HGMD: prior to June 1st, 2018), and was therefore a candidate for classification through an automated scoring system. Utilizing variant allele frequency, disease prevalence and penetrance estimates, and inheritance mode, an automated score was calculated to assess if this variant is too frequent to cause the disease. Based on the score and internal cut-off values, a variant classified as benign is not then subjected to further curation. The score for this variant resulted in a classification of benign for this disease.

Illumina Laboratory Services, Illumina
Classification: Benign for Familial amyloid nephropathy with urticaria AND deafness. Last evaluated: 2018-01-12. Review status: criteria provided, single submitter. Criteria: ICSL Variant Classification Criteria 13 December 2019. Collection method: clinical testing. Allele origin: germline.
Comment: the same text as in the submission from Illumina Laboratory Services, Illumina above.

Illumina Laboratory Services, Illumina
Classification: Benign for Chronic infantile neurological, cutaneous and articular syndrome. Last evaluated: 2018-01-12. Review status: criteria provided, single submitter. Criteria: ICSL Variant Classification Criteria 13 December 2019. Collection method: clinical testing. Allele origin: germline.
Comment: the same text as in the submission from Illumina Laboratory Services, Illumina above.

GeneDx
Classification: Uncertain significance. Last evaluated: 2017-03-14. Review status: criteria provided, single submitter. Criteria: GeneDx Variant Classification (06012015). Collection method: clinical testing. Allele origin: germline. Affected: yes.
Comment: The A67G variant in the NLRP3 gene has not been reported previously as a pathogenic variant, nor as a benign variant, to our knowledge. The A67G variant is not observed at a significant frequency in large population cohorts (Lek et al., 2016; 1000 Genomes Consortium et al., 2015; Exome Variant Server). This substitution occurs at a position that is conserved in mammals. In silico analysis predicts this variant is probably damaging to the protein structure/function. However, the A67G variant is a conservative amino acid substitution, which is not likely to impact secondary protein structure as these residues share similar properties.We interpret A67G as a variant of uncertain significance.